The following is an entry in ClinVar:

NM_145020.5(CFAP53):c.789C>T (p.Asn263=)

Gene: CFAP53 (cilia and flagella associated protein 53; minus strand). Cytogenetic location: 18q21.1.
Variant type: single nucleotide variant.
Coding change: c.789C>T on transcript NM_145020.5 (MANE Select); coding-DNA position 789, C replaced by T.
Protein change: p.Asn263=; no amino-acid change (asparagine 263 retained).
Molecular consequence: synonymous variant.
Genome position (GRCh38, 1-based): chr18:50,250,965, G>A on the plus strand (C>T on the coding strand, the complement: CFAP53 is on the minus strand). VCF-style: chr18-50250965-G-A. GRCh37 (hg19) VCF-style: chr18-47777335-G-A.
Identifiers: ClinVar variation 262558 (VCV000262558.38), dbSNP rs114015053, ClinGen allele CA8962285.

ClinVar aggregate classification (germline): Benign/Likely benign. Review status: criteria provided, multiple submitters, no conflicts (2 of 4 stars). 5 submissions from 5 submitters: Benign (4); Likely benign (1). Last evaluated 2026-01-18.

Conditions:
Heterotaxy, visceral, 6, autosomal (HTX6). Also called: Heterotaxy, visceral, 6, autosomal recessive. Identifiers: Orphanet 450, MedGen C3553676, MONDO:0013887, OMIM 614779.

Allele frequency attached by ClinVar (database versions not stated): gnomAD exomes 0.00043 and 0.00093; ExAC 0.00101; ESP Exome Variant Server 0.00373; gnomAD 0.00403 and 0.00428; 1000 Genomes Project 0.00419; TOPMed 0.00443.

Submissions (5):

Labcorp Genetics (formerly Invitae), Labcorp
Classification: Benign for Heterotaxy, visceral, 6, autosomal. Last evaluated: 2026-01-18. Review status: criteria provided, single submitter. Criteria: Invitae Variant Classification Sherloc (09022015). Collection method: clinical testing. Allele origin: germline.

Blueprint Genetics
Classification: Likely benign. Last evaluated: 2024-08-12. Review status: criteria provided, single submitter. Criteria: ACMG Guidelines, 2015. Collection method: clinical testing. Allele origin: germline.

CeGaT Center for Human Genetics Tuebingen
Classification: Benign. Last evaluated: 2022-11-01. Review status: criteria provided, single submitter. Criteria: CeGaT Center For Human Genetics Tuebingen Variant Classification Criteria Version 2. Collection method: clinical testing. Allele origin: germline. Affected: yes. Observed: 1 variant allele.
Comment: CFAP53: BP4, BP7, BS1, BS2

Breakthrough Genomics
Classification: Benign. Review status: criteria provided, single submitter. Criteria: ACMG Guidelines, 2015. Collection method: not provided. Allele origin: germline. Inheritance: Autosomal recessive inheritance. Affected: yes.

PreventionGenetics, part of Exact Sciences
Classification: Benign. Review status: criteria provided, single submitter. Criteria: ACMG Guidelines, 2015. Collection method: clinical testing. Allele origin: germline.